The following is an entry in ClinVar:

ClinVar aggregate classification (germline): Pathogenic. Review status: reviewed by expert panel (3 of 4 stars). 5 submissions from 5 submitters: Pathogenic (1). 4 of the submissions do not count toward it. Last evaluated 2016-09-08.

Conditions:
Hereditary cancer-predisposing syndrome. Also called: Tumor predisposition; Hereditary Cancer Syndrome; Neoplastic Syndromes, Hereditary; Hereditary neoplastic syndrome. Identifiers: Orphanet 140162, MedGen C0027672, MeSH D009386, MONDO:0015356.
Breast-ovarian cancer, familial, susceptibility to, 2 (BROVCA2). Also called: BRCA2 Hereditary Breast and Ovarian Cancer. Identifiers: Orphanet 145, MedGen C2675520, MONDO:0012933, OMIM 612555. Disease mechanism: loss of function.

Submissions (5):

Evidence-based Network for the Interpretation of Germline Mutant Alleles (ENIGMA)
Classification: Pathogenic for Breast-ovarian cancer, familial, susceptibility to, 2. Last evaluated: 2016-09-08. Review status: reviewed by expert panel. Criteria: ENIGMA BRCA1/2 Classification Criteria (2015). Collection method: curation. Allele origin: germline.
Comment: Variant allele predicted to encode a truncated non-functional protein.

Color Diagnostics, LLC DBA Color Health
Classification: Pathogenic for Hereditary cancer-predisposing syndrome. Last evaluated: 2025-09-16. Review status: criteria provided, single submitter. Criteria: ACMG Guidelines, 2015. Collection method: clinical testing. Allele origin: germline. Not counted in ClinVar's aggregate classification.
Comment: This variant deletes 4 nucleotides in exon 11 of the BRCA2 gene, creating a frameshift and premature translation stop signal. This variant is expected to result in an absent or non-functional protein product. This variant has been reported in at least one individual affected with breast cancer (PMID: 28637432, 29339979), an individual affected with dual primary breast and lung cancer (PMID: 37461096), and an individual affected with stomach adenocarcinoma (PMID: 29625052). This variant has been identified in 1/250372 chromosomes in the general population by the Genome Aggregation Database (gnomAD). Loss of BRCA2 function is a known mechanism of disease. Based on the available evidence, this variant is classified as Pathogenic.

OLLIN Analises Genomicas, OLLIN
Classification: Pathogenic for Breast-ovarian cancer, familial, susceptibility to, 2. Last evaluated: 2025-08-29. Review status: criteria provided, single submitter. Criteria: ACMG Guidelines 2015 PMID 25741868. Collection method: clinical testing. Allele origin: germline. Affected: yes. Observed: 1 variant allele. Not counted in ClinVar's aggregate classification.
Comment: The frameshift variant (chr13:32339147CTCAA>C), located in exon 11 (of 27), absent in gnomAD v4.1 non-UKB, is reported in the scientific literature (PMID: 36922933, 26689913) and in ClinVar (VCV000254540.8) in individuals with breast and ovarian cancer. This variant promotes a frameshift with subsequent introduction of a premature stop codon, resulting in a truncated protein or mRNA degradation via NMD, and other pathogenic loss-of-function variants have been reported in this gene. According to the currently available evidence and the specific ClinGen criteria for the gene (PMID: 39142283), this variant has been classified as pathogenic (PVS1, PM2_P, PM5_S).

Ambry Genetics
Classification: Pathogenic for Hereditary cancer-predisposing syndrome. Last evaluated: 2022-10-28. Review status: criteria provided, single submitter. Criteria: Ambry Variant Classification Scheme 2023. Collection method: clinical testing. Allele origin: germline. Not counted in ClinVar's aggregate classification.
Comment: The c.4794_4797delCAAT pathogenic mutation, located in coding exon 10 of the BRCA2 gene, results from a deletion of 4 nucleotides at nucleotide positions 4794 to 4797, causing a translational frameshift with a predicted alternate stop codon (p.N1599Mfs*17). This alteration is expected to result in loss of function by premature protein truncation or nonsense-mediated mRNA decay. As such, this alteration is interpreted as a disease-causing mutation.

Department of Medical Genetics, Oslo University Hospital
Classification: Pathogenic for Breast-ovarian cancer, familial, susceptibility to, 2. Last evaluated: 2015-07-01. Review status: criteria provided, single submitter. Criteria: ACMG Guidelines, 2015. Collection method: clinical testing. Allele origin: germline. Affected: yes. Observed: 1 variant allele. Not counted in ClinVar's aggregate classification.

Literature cited by the submitters: PubMed 28637432 (cited by Color Diagnostics, LLC DBA Color Health); PubMed 29339979 (cited by Color Diagnostics, LLC DBA Color Health); PubMed 29625052 (cited by Color Diagnostics, LLC DBA Color Health); PubMed 37461096 (cited by Color Diagnostics, LLC DBA Color Health); PubMed 36922933 (cited by OLLIN Analises Genomicas, OLLIN); PubMed 26689913 (cited by OLLIN Analises Genomicas, OLLIN); PubMed 39142283 (cited by OLLIN Analises Genomicas, OLLIN).

NM_000059.4(BRCA2):c.4794_4797del (p.Asn1599fs)

Gene: BRCA2 (BRCA2 DNA repair associated; plus strand). Cytogenetic location: 13q13.1.
Variant type: Deletion.
Coding change: c.4794_4797del on transcript NM_000059.4 (MANE Select); coding-DNA positions 4794 to 4797, 4 bases deleted (CAAT; older notation c.4794_4797delCAAT).
Protein change: p.Asn1599fs; shifts the reading frame from asparagine 1599.
Molecular consequence: frameshift variant.
Genome position (GRCh38, 1-based): chr13:32,339,149-32,339,152, CAAT deleted; deleting any 4 consecutive bases within chr13:32,339,148-32,339,152 gives the same sequence; the c. name uses the placement nearest the transcript's 3' end. VCF-style (leftmost placement, unchanged base first): chr13-32339147-CTCAA-C. GRCh37 (hg19) VCF-style: chr13-32913284-CTCAA-C.
Other names: c.4794_4797delCAAT (NM_000059.3).
Identifiers: ClinVar variation 254540 (VCV000254540.9), dbSNP rs747418290, ClinGen allele CA6940812.